The following is an entry in ClinVar:

NM_005633.4(SOS1):c.87+9C>T

Genes: SOS1 (SOS Ras/Rac guanine nucleotide exchange factor 1; minus strand), LOC129933535 (ATAC-STARR-seq lymphoblastoid silent region 11384; plus strand). Cytogenetic location: 2p22.1.
Variant type: single nucleotide variant.
Coding change: c.87+9C>T on transcript NM_005633.4 (MANE Select); 9 bases into the intron after coding-DNA position 87, C replaced by T.
Molecular consequence: intron variant.
Genome position (GRCh38, 1-based): chr2:39,120,327, G>A on the plus strand (C>T on the coding strand, the complement: SOS1 is on the minus strand). VCF-style: chr2-39120327-G-A. GRCh37 (hg19) VCF-style: chr2-39347468-G-A.
Other names: c.66+4337C>T (NM_001382394.1); c.87+9C>T (NM_001382395.1).
Identifiers: ClinVar variation 45378 (VCV000045378.23), dbSNP rs397517179, ClinGen allele CA136189.

ClinVar aggregate classification (germline): Benign/Likely benign. Review status: criteria provided, multiple submitters, no conflicts (2 of 4 stars). 7 submissions from 6 submitters: Benign (3); Likely benign (3). 1 of the submissions does not count toward it. Last evaluated 2025-11-24.

Conditions:
SOS1-related disorder. Also called: SOS1-related condition.
Noonan syndrome and Noonan-related syndrome. Identifiers: Orphanet 98733, MedGen C5681679, MONDO:0020297.
RASopathy. Also called: rasopathies; Noonan spectrum disorder. Identifiers: Orphanet 536391, MedGen C5555857, MONDO:0021060.
Fibromatosis, gingival, 1 (GINGF1). Identifiers: Orphanet 2024, MedGen C4551558, MONDO:0007609, OMIM 135300.
Noonan syndrome 4 (NS4). Also called: NOONAN SYNDROME WITH PIGMENTED VILLONODULAR SYNOVITIS; SOS1-Related Noonan Syndrome. Identifiers: Orphanet 648, MedGen C1853120, MONDO:0012547, OMIM 610733.

Allele frequency attached by ClinVar (database versions not stated): gnomAD 0.00001 and 0.00004; TOPMed 0.00001; gnomAD exomes 0.00009 and 0.00015; 1000 Genomes Project 0.00020; ExAC 0.00029; 1000 Genomes Project 30x 0.00047.
gnomAD v4.1: 139 of 1,571,626 alleles (0.0088%); highest among the groups gnomAD compares: South Asian, 0.13%; 1 homozygote.

Submissions (7):

Labcorp Genetics (formerly Invitae), Labcorp
Classification: Benign for RASopathy. Last evaluated: 2025-11-24. Review status: criteria provided, single submitter. Criteria: Invitae Variant Classification Sherloc (09022015). Collection method: clinical testing. Allele origin: germline.

Blueprint Genetics
Classification: Likely benign. Last evaluated: 2024-08-29. Review status: criteria provided, single submitter. Criteria: ACMG Guidelines, 2015. Collection method: clinical testing. Allele origin: germline.

Genome Diagnostics Laboratory, The Hospital for Sick Children
Classification: Likely benign for Noonan syndrome and Noonan-related syndrome. Last evaluated: 2018-07-01. Review status: criteria provided, single submitter. Criteria: ACMG Guidelines, 2015. Collection method: clinical testing. Allele origin: germline.

Laboratory for Molecular Medicine, Mass General Brigham Personalized Medicine
Classification: Likely benign. Last evaluated: 2010-10-27. Review status: criteria provided, single submitter. Criteria: LMM Criteria. Collection method: clinical testing. Allele origin: germline. Observed: 1 variant allele.
Comment: This variant has not been previously reported in the literature or public databa ses, or been observed in our laboratory. However, it is not expected to be clini cally significant because it is not located in the conserved region of the splic ing consensus sequence.

Genome-Nilou Lab
Classification: Benign for Noonan syndrome 4. Review status: criteria provided, single submitter. Criteria: ACMG Guidelines, 2015. Collection method: clinical testing. Allele origin: germline.

Genome-Nilou Lab
Classification: Benign for Fibromatosis, gingival, 1. Review status: criteria provided, single submitter. Criteria: ACMG Guidelines, 2015. Collection method: clinical testing. Allele origin: germline.

PreventionGenetics, part of Exact Sciences
Classification: Likely benign for SOS1-related condition. Last evaluated: 2020-05-18. Review status: no assertion criteria provided. Collection method: clinical testing. Allele origin: germline. Not counted in ClinVar's aggregate classification.
Comment: This variant is classified as likely benign based on ACMG/AMP sequence variant interpretation guidelines (Richards et al. 2015 PMID: 25741868, with internal and published modifications).